The following is an entry in ClinVar:

NM_024675.4(PALB2):c.1547_1548del (p.Arg516fs)

Gene: PALB2 (partner and localizer of BRCA2; minus strand). Cytogenetic location: 16p12.2.
Variant type: Deletion.
Coding change: c.1547_1548del on transcript NM_024675.4 (MANE Select); coding-DNA positions 1547 to 1548, 2 bases deleted (GA; older notation c.1547_1548delGA).
Protein change: p.Arg516fs; shifts the reading frame from arginine 516.
Molecular consequence: frameshift variant.
Genome position (GRCh38, 1-based): chr16:23,634,998-23,634,999, TC deleted on the plus strand (GA on the coding strand, the reverse complement: PALB2 is on the minus strand); deleting any 2 consecutive bases within chr16:23,634,998-23,635,000 gives the same sequence; the c. name uses the placement nearest the transcript's 3' end. VCF-style (leftmost placement, unchanged base first): chr16-23634997-TTC-T. GRCh37 (hg19) VCF-style: chr16-23646318-TTC-T.
Other names: c.1547_1548del (NM_024675.3); c.1547_1548delGA (NM_024675.3); short protein forms R516fs.
Identifiers: ClinVar variation 1074633 (VCV001074633.15), dbSNP rs2142412914, ClinGen allele CA2499223434.

ClinVar aggregate classification (germline): Pathogenic/Likely pathogenic. Review status: criteria provided, multiple submitters, no conflicts (2 of 4 stars). 7 submissions from 7 submitters: Pathogenic (6); Likely pathogenic (1). Last evaluated 2026-02-13.

Conditions:
Familial cancer of breast. Also called: Hereditary breast cancer; BREAST CANCER, FAMILIAL; hereditary breast carcinoma. Identifiers: Orphanet 227535, MedGen C0346153, MONDO:0016419, OMIM 114480. Disease mechanism: loss of function.
PALB2-related disorder. Also called: PALB2-related condition; PALB2-related disorders.
Hereditary cancer-predisposing syndrome. Also called: Hereditary Cancer Syndrome; Neoplastic Syndromes, Hereditary; Tumor predisposition; Hereditary neoplastic syndrome. Identifiers: Orphanet 140162, MedGen C0027672, MeSH D009386, MONDO:0015356.

Submissions (7):

Institute of Human Genetics, FAU Erlangen, Friedrich-Alexander-Universität Erlangen-Nürnberg
Classification: Pathogenic. Last evaluated: 2026-02-13. Review status: criteria provided, single submitter. Criteria: Hauer et al. (Genet Med. 2018). Collection method: clinical testing. Allele origin: germline. Inheritance: Unknown mechanism. Affected: yes. Observed: 1 variant allele.
Comment: This variant has been identified by standard clinical testing.

Ambry Genetics
Classification: Pathogenic for Hereditary cancer-predisposing syndrome. Last evaluated: 2023-11-13. Review status: criteria provided, single submitter. Criteria: Ambry Variant Classification Scheme 2023. Collection method: clinical testing. Allele origin: germline.
Comment: The c.1547_1548delGA pathogenic mutation, located in coding exon 4 of the PALB2 gene, results from a deletion of two nucleotides at nucleotide positions 1547 to 1548, causing a translational frameshift with a predicted alternate stop codon (p.R516Kfs*12). This alteration is expected to result in loss of function by premature protein truncation or nonsense-mediated mRNA decay. As such, this alteration is interpreted as a disease-causing mutation.

Labcorp Genetics (formerly Invitae), Labcorp
Classification: Pathogenic for Familial cancer of breast. Last evaluated: 2023-10-30. Review status: criteria provided, single submitter. Criteria: Invitae Variant Classification Sherloc (09022015). Collection method: clinical testing. Allele origin: germline.
Comment: This sequence change creates a premature translational stop signal (p.Arg516Lysfs*12) in the PALB2 gene. It is expected to result in an absent or disrupted protein product. Loss-of-function variants in PALB2 are known to be pathogenic (PMID: 17200668, 17200671, 17200672, 24136930, 25099575). This variant is not present in population databases (gnomAD no frequency). This variant has not been reported in the literature in individuals affected with PALB2-related conditions. ClinVar contains an entry for this variant (Variation ID: 1074633). For these reasons, this variant has been classified as Pathogenic.

Myriad Genetics, Inc.
Classification: Pathogenic for Familial cancer of breast. Last evaluated: 2023-09-11. Review status: criteria provided, single submitter. Criteria: Myriad Autosomal Dominant, Autosomal Recessive and X-Linked Classification Criteria (2023). Collection method: clinical testing. Allele origin: unknown.
Comment: This variant is considered pathogenic. This variant creates a frameshift predicted to result in premature protein truncation.

GeneDx
Classification: Pathogenic. Last evaluated: 2023-08-14. Review status: criteria provided, single submitter. Criteria: GeneDx Variant Classification Process June 2021. Collection method: clinical testing. Allele origin: germline. Affected: yes.
Comment: Frameshift variant predicted to result in protein truncation or nonsense mediated decay in a gene for which loss of function is a known mechanism of disease; Not observed at significant frequency in large population cohorts (gnomAD); This variant is associated with the following publications: (PMID: 32339256)

MGZ Medical Genetics Center
Classification: Pathogenic for Familial cancer of breast. Last evaluated: 2021-12-15. Review status: criteria provided, single submitter. Criteria: ACMG Guidelines, 2015. Collection method: clinical testing. Allele origin: germline. Affected: yes. Observed: 1 variant allele.
Comment: ACMG criteria applied: PVS1, PS4_SUP, PM2_SUP

Blueprint Genetics
Classification: Likely pathogenic for PALB2-related disorders. Last evaluated: 2018-06-12. Review status: criteria provided, single submitter. Criteria: ACMG Guidelines, 2015. Collection method: clinical testing. Allele origin: germline. Affected: yes. Observed: 1 variant allele.

Literature cited by the submitters: PubMed 17200668 (cited by Labcorp Genetics (formerly Invitae), Labcorp); PubMed 17200671 (cited by Labcorp Genetics (formerly Invitae), Labcorp); PubMed 17200672 (cited by Labcorp Genetics (formerly Invitae), Labcorp); PubMed 24136930 (cited by Labcorp Genetics (formerly Invitae), Labcorp); PubMed 25099575 (cited by Labcorp Genetics (formerly Invitae), Labcorp).